The following is an entry in ClinVar:

ClinVar aggregate classification (germline): Conflicting classifications of pathogenicity. Review status: criteria provided, conflicting classifications (1 of 4 stars). 4 submissions from 4 submitters: Uncertain significance (1); Likely benign (3). Last evaluated 2025-12-17.

Conditions:
Inborn genetic diseases. Identifiers: MedGen C0950123, MeSH D030342.
TAB2-related disorder.

Allele frequency attached by ClinVar (database versions not stated): gnomAD exomes 0.00004 and 0.00009; ExAC 0.00012; 1000 Genomes Project 30x 0.00031; 1000 Genomes Project 0.00040; gnomAD 0.00040 and 0.00046; TOPMed 0.00043; ESP Exome Variant Server 0.00069.
gnomAD v4.1: 127 of 1,614,208 alleles (0.0079%); highest among the groups gnomAD compares: African/African-American, 0.14%; no homozygotes.

Submissions (4):

Labcorp Genetics (formerly Invitae), Labcorp
Classification: Likely benign. Last evaluated: 2025-12-17. Review status: criteria provided, single submitter. Criteria: Invitae Variant Classification Sherloc (09022015). Collection method: clinical testing. Allele origin: germline.

PreventionGenetics, part of Exact Sciences
Classification: Likely benign for TAB2-related condition. Last evaluated: 2025-02-12. Review status: criteria provided, single submitter. Criteria: ACMG Guidelines, 2015. Collection method: clinical testing. Allele origin: germline.
Comment: This variant is classified as likely benign based on ACMG/AMP sequence variant interpretation guidelines (Richards et al. 2015 PMID: 25741868, with internal and published modifications).

Blueprint Genetics
Classification: Likely benign. Last evaluated: 2024-07-17. Review status: criteria provided, single submitter. Criteria: ACMG Guidelines, 2015. Collection method: clinical testing. Allele origin: germline.

Ambry Genetics
Classification: Uncertain significance for Inborn genetic diseases. Last evaluated: 2022-06-27. Review status: criteria provided, single submitter. Criteria: Ambry Variant Classification Scheme 2023. Collection method: clinical testing. Allele origin: germline.

NM_001292034.3(TAB2):c.472C>T (p.His158Tyr)

Gene: TAB2 (TGF-beta activated kinase 1 (MAP3K7) binding protein 2; plus strand). Cytogenetic location: 6q25.1.
Variant type: single nucleotide variant.
Coding change: c.472C>T on transcript NM_001292034.3 (MANE Select); coding-DNA position 472, C replaced by T.
Protein change: p.His158Tyr; replaces histidine 158 with tyrosine.
Molecular consequence: missense variant.
Genome position (GRCh38, 1-based): chr6:149,378,387, C>T. VCF-style: chr6-149378387-C-T. GRCh37 (hg19) VCF-style: chr6-149699523-C-T.
Other names: c.472C>T (NM_015093.4, NM_015093.5); c.376C>T, p.His126Tyr (NM_001292035.3); c.472C>T, p.His158Tyr (NM_001369506.1, NM_015093.6); short protein forms H126Y, H158Y.
Identifiers: ClinVar variation 1551556 (VCV001551556.11), dbSNP rs139897844, ClinGen allele CA4041408.